The following is an entry in ClinVar:

ClinVar aggregate classification (germline): Benign (1 of 4 stars; one submission).

Allele frequency attached by ClinVar (database versions not stated): gnomAD 0.76074 and 0.76912; TOPMed 0.76406; 1000 Genomes Project 30x 0.80340; 1000 Genomes Project 0.81090.
gnomAD v4.1: 116,434 of 151,502 alleles (77%); highest among the groups gnomAD compares: East Asian, 99%; 45,355 homozygotes.

Submission:

GeneDx
Classification: Benign. Last evaluated: 2018-06-14. Review status: criteria provided, single submitter. Criteria: GeneDx Variant Classification (06012015). Collection method: clinical testing. Allele origin: germline. Affected: yes.
Comment: This variant is considered likely benign or benign based on one or more of the following criteria: it is a conservative change, it occurs at a poorly conserved position in the protein, it is predicted to be benign by multiple in silico algorithms, and/or has population frequency not consistent with disease.

NM_203447.4(DOCK8):c.5817+314C>A

Gene: DOCK8 (dedicator of cytokinesis 8; plus strand). Cytogenetic location: 9p24.3.
Variant type: single nucleotide variant.
Coding change: c.5817+314C>A on transcript NM_203447.4 (MANE Select); 314 bases into the intron after coding-DNA position 5817, C replaced by A.
Molecular consequence: intron variant.
Genome position (GRCh38, 1-based): chr9:446,920, C>A. VCF-style: chr9-446920-C-A. GRCh37 (hg19) VCF-style: chr9-446920-C-A.
Other names: c.5613+314C>A (NM_001193536.2); c.5517+314C>A (NM_001190458.2).
Identifiers: ClinVar variation 667685 (VCV000667685.1), dbSNP rs10758616, ClinGen allele CA13129818.